The following is an entry in ClinVar:

NM_001148.6(ANK2):c.2768A>T (p.Asp923Val)

Gene: ANK2 (ankyrin 2; plus strand). Cytogenetic location: 4q26.
Variant type: single nucleotide variant.
Coding change: c.2768A>T on transcript NM_001148.6 (MANE Select); coding-DNA position 2768, A replaced by T.
Protein change: p.Asp923Val; replaces aspartic acid 923 with valine.
Molecular consequence: missense variant.
Genome position (GRCh38, 1-based): chr4:113,317,781, A>T. VCF-style: chr4-113317781-A-T. GRCh37 (hg19) VCF-style: chr4-114238937-A-T.
Other names: c.2705A>T, p.Asp902Val (NM_001127493.3, NM_001354243.2, NM_001354255.2 and 3 more transcripts); c.2780A>T, p.Asp927Val (NM_001354225.2); c.2768A>T, p.Asp923Val (NM_001354228.2, NM_001354232.2, NM_001354258.2 and 1 more transcripts); c.2810A>T, p.Asp937Val (NM_001354230.2, NM_001354231.2, NM_001354237.2 and 1 more transcripts); c.2765A>T, p.Asp922Val (NM_001354235.2, NM_001354236.2, NM_001354246.2 and 1 more transcripts); c.2702A>T, p.Asp901Val (NM_001354239.2, NM_001354244.2, NM_001354252.2 and 3 more transcripts); c.2813A>T, p.Asp938Val (NM_001354240.2, NM_001354241.2, NM_001386144.1); c.2669A>T, p.Asp890Val (NM_001354245.2, NM_001354268.2); and 17 more; short protein forms D890V, D856V, D889V, D894V, D902V, D904V, D909V, D937V.
Identifiers: ClinVar variation 1357507 (VCV001357507.9), dbSNP rs2083706279, ClinGen allele CA357930773.

ClinVar aggregate classification (germline): Uncertain significance. Review status: criteria provided, multiple submitters, no conflicts (2 of 4 stars). 2 submissions from 2 submitters: Uncertain significance (2). Last evaluated 2022-06-10.

Conditions:
Cardiac arrhythmia, ankyrin-B-related. Also called: ANKYRIN-B SYNDROME. Identifiers: Orphanet 101016, Orphanet 768, MedGen C1970119, MONDO:0010958, OMIM 600919.
Long QT syndrome (LQTS). Identifiers: MedGen C0023976, MeSH D008133, MONDO:0002442. Disease mechanism: loss of function. Inheritance: Various modes of inheritance.

Allele frequency attached by ClinVar (database versions not stated): TOPMed 0.00001.

Submissions (2):

Labcorp Genetics (formerly Invitae), Labcorp
Classification: Uncertain significance for Long QT syndrome. Last evaluated: 2022-06-10. Review status: criteria provided, single submitter. Criteria: Invitae Variant Classification Sherloc (09022015). Collection method: clinical testing. Allele origin: germline.
Comment: In summary, the available evidence is currently insufficient to determine the role of this variant in disease. Therefore, it has been classified as a Variant of Uncertain Significance. Algorithms developed to predict the effect of missense changes on protein structure and function are either unavailable or do not agree on the potential impact of this missense change (SIFT: "Deleterious"; PolyPhen-2: "Probably Damaging"; Align-GVGD: "Class C0"). This variant has not been reported in the literature in individuals affected with ANK2-related conditions. This variant is not present in population databases (gnomAD no frequency). This sequence change replaces aspartic acid, which is acidic and polar, with valine, which is neutral and non-polar, at codon 923 of the ANK2 protein (p.Asp923Val).

Fulgent Genetics
Classification: Uncertain significance for Cardiac arrhythmia, ankyrin-B-related. Last evaluated: 2021-11-17. Review status: criteria provided, single submitter. Criteria: ACMG Guidelines, 2015. Collection method: clinical testing. Allele origin: unknown.